The following is an entry in ClinVar:

NM_000312.4(PROC):c.560G>A (p.Trp187Ter)

Gene: PROC (protein C, inactivator of coagulation factors Va and VIIIa; plus strand). Cytogenetic location: 2q14.3.
Variant type: single nucleotide variant.
Coding change: c.560G>A on transcript NM_000312.4 (MANE Select); coding-DNA position 560, G replaced by A.
Protein change: p.Trp187Ter; replaces tryptophan 187 with a stop codon.
Molecular consequence: nonsense.
Genome position (GRCh38, 1-based): chr2:127,426,109, G>A. VCF-style: chr2-127426109-G-A. GRCh37 (hg19) VCF-style: chr2-128183685-G-A.
Other names: c.743G>A, p.Trp248Ter (NM_001375602.1); c.725G>A, p.Trp242Ter (NM_001375603.1); c.623G>A, p.Trp208Ter (NM_001375604.1); c.662G>A, p.Trp221Ter (NM_001375605.1); c.728G>A, p.Trp243Ter (NM_001375606.1); c.746G>A, p.Trp249Ter (NM_001375607.1); c.503G>A, p.Trp168Ter (NM_001375608.1); c.536G>A, p.Trp179Ter (NM_001375609.1); and 2 more; short protein forms W185*, W221*, W242*, W249*, W168*, W187*, W243*, W179*.
Identifiers: ClinVar variation 2203144 (VCV002203144.4), dbSNP rs897196091, ClinGen allele CA55348218.
Genomic context (GRCh38, chr2:127,426,109, plus strand): 5'-GCCTGGCAGGCCCCTCACCACCTCTGCCTACCTCAGTGAAGTTCCCTTGTGGGAGGCCCT[G>A]GAAGCGGATGGAGAAGAAGCGCAGTCACCTGAAACGAGACACAGAAGACCAAGAAGACCA-3'

ClinVar aggregate classification (germline): Pathogenic (1 of 4 stars; one submission).

Conditions:
Thrombophilia due to protein C deficiency, autosomal dominant. Also called: PROC DEFICIENCY, AUTOSOMAL DOMINANT; PROTEIN C DEFICIENCY, AUTOSOMAL DOMINANT. Identifiers: Orphanet 745, MedGen C2674321, MONDO:0008316, OMIM 176860. Disease mechanism: loss of function.

Allele frequency attached by ClinVar (database versions not stated): gnomAD 0.00001; TOPMed 0.00001.
gnomAD v4.1: 1 of 1,613,992 alleles (0.000062%); highest among the groups gnomAD compares: Non-Finnish European, 0.000085%; no homozygotes.

Submission:

Labcorp Genetics (formerly Invitae), Labcorp
Classification: Pathogenic for Thrombophilia due to protein C deficiency, autosomal dominant. Last evaluated: 2022-04-05. Review status: criteria provided, single submitter. Criteria: Invitae Variant Classification Sherloc (09022015). Collection method: clinical testing. Allele origin: germline.
Comment: This sequence change creates a premature translational stop signal (p.Trp187*) in the PROC gene. It is expected to result in an absent or disrupted protein product. Loss-of-function variants in PROC are known to be pathogenic (PMID: 17152060). This variant is not present in population databases (gnomAD no frequency). This premature translational stop signal has been observed in individual(s) with protein C deficiency (PMID: 8292730). Algorithms developed to predict the effect of sequence changes on RNA splicing suggest that this variant may create or strengthen a splice site. For these reasons, this variant has been classified as Pathogenic.

Literature cited by the submitters: PubMed 17152060; PubMed 8292730.